The following is an entry in ClinVar:

ClinVar aggregate classification (germline): Uncertain significance (1 of 4 stars; one submission).

gnomAD v4.1: 1 of 1,598,418 alleles (0.000063%); highest among the groups gnomAD compares: Admixed American, 0.0017%; no homozygotes.

Submission:

Dasa
Classification: Uncertain significance. Last evaluated: 2026-01-22. Review status: criteria provided, single submitter. Criteria: DASA Assertion Criteria. Collection method: clinical testing. Allele origin: germline.
Comment: NM_001178083.3(EXT2):c.1240T>C (p.Trp414Arg) is a missense variant that results in the substitution of tryptophan with arginine. This variant is rare in population databases. The currently available literature and clinical evidence are not sufficient to establish a definitive association between this variant and the reported condition. Therefore, this variant is classified as a variant of uncertain significance.

NM_207122.2(EXT2):c.1173+14175T>C

Gene: EXT2 (exostosin glycosyltransferase 2; plus strand). Cytogenetic location: 11p11.2.
Variant type: single nucleotide variant.
Coding change: c.1173+14175T>C on transcript NM_207122.2 (MANE Select); 14175 bases into the intron after coding-DNA position 1173, T replaced by C.
Molecular consequence: intron variant. On other transcripts: missense variant (1).
Genome position (GRCh38, 1-based): chr11:44,144,313, T>C. VCF-style: chr11-44144313-T-C. GRCh37 (hg19) VCF-style: chr11-44165863-T-C.
Other names: c.1240T>C, p.Trp414Arg (NM_001178083.3); c.1173+14175T>C (NM_001389630.1, NM_001389628.1); c.1272+14175T>C (NM_000401.3); short protein forms W414R.
Identifiers: ClinVar variation 4885609 (VCV004885609.2).